The following is an entry in ClinVar:

ClinVar aggregate classification (germline): Uncertain significance (1 of 4 stars; one submission).

Allele frequency attached by ClinVar (database versions not stated): gnomAD 0.00001; TOPMed 0.00003; ExAC 0.00004.
gnomAD v4.1: 47 of 1,612,510 alleles (0.0029%); highest among the groups gnomAD compares: Non-Finnish European, 0.0039%; no homozygotes.

Submission:

Labcorp Genetics (formerly Invitae), Labcorp
Classification: Uncertain significance. Last evaluated: 2022-12-07. Review status: criteria provided, single submitter. Criteria: Invitae Variant Classification Sherloc (09022015). Collection method: clinical testing. Allele origin: germline.
Comment: In summary, the available evidence is currently insufficient to determine the role of this variant in disease. Therefore, it has been classified as a Variant of Uncertain Significance. Algorithms developed to predict the effect of missense changes on protein structure and function (SIFT, PolyPhen-2, Align-GVGD) all suggest that this variant is likely to be tolerated. This variant has not been reported in the literature in individuals affected with CDT1-related conditions. This variant is present in population databases (rs750150918, gnomAD 0.006%). This sequence change replaces glutamine, which is neutral and polar, with histidine, which is basic and polar, at codon 115 of the CDT1 protein (p.Gln115His).

NM_030928.4(CDT1):c.345G>T (p.Gln115His)

Gene: CDT1 (chromatin licensing and DNA replication factor 1; plus strand). Cytogenetic location: 16q24.3.
Variant type: single nucleotide variant.
Coding change: c.345G>T on transcript NM_030928.4 (MANE Select); coding-DNA position 345, G replaced by T.
Protein change: p.Gln115His; replaces glutamine 115 with histidine.
Molecular consequence: missense variant.
Genome position (GRCh38, 1-based): chr16:88,804,661, G>T. VCF-style: chr16-88804661-G-T. GRCh37 (hg19) VCF-style: chr16-88871069-G-T.
Other names: short protein forms Q115H.
Identifiers: ClinVar variation 2794768 (VCV002794768.3), dbSNP rs750150918, ClinGen allele CA8233567.